The following is an entry in ClinVar:

NM_001242896.3(DEPDC5):c.2734C>T (p.Arg912Trp)

Gene: DEPDC5 (DEP domain containing 5, GATOR1 subcomplex subunit; plus strand). Cytogenetic location: 22q12.3.
Variant type: single nucleotide variant.
Coding change: c.2734C>T on transcript NM_001242896.3 (MANE Select); coding-DNA position 2734, C replaced by T.
Protein change: p.Arg912Trp; replaces arginine 912 with tryptophan.
Molecular consequence: missense variant. On other transcripts: non-coding transcript variant (5).
Genome position (GRCh38, 1-based): chr22:31,843,745, C>T. VCF-style: chr22-31843745-C-T. GRCh37 (hg19) VCF-style: chr22-32239731-C-T.
Other names: c.2500C>T, p.Arg834Trp (NM_001364319.2, NM_001242897.2, NM_001363854.2); c.2734C>T, p.Arg912Trp (NM_001364320.2, NM_001363852.2, NM_001364318.2); c.2650C>T, p.Arg884Trp (NM_001369901.1, NM_001369902.1); c.2707C>T, p.Arg903Trp (NM_001369903.1, NM_014662.6, NM_001136029.4); short protein forms R834W, R912W, R884W, R903W.
Identifiers: ClinVar variation 1027726 (VCV001027726.4), dbSNP rs528863179, ClinGen allele CA10196787.
Genomic context (GRCh38, chr22:31,843,745, plus strand): 5'-CTCTGTCCTTCCCACTCAGACTCAGAGTTCGTCTCCTGCTGGGTGGAATTCTCCCACGAA[C>T]GGCTGGAGGAGTACAAGTGGAATTACTTAGATCAGTATATCTGTTCTGCCGGCTCTGAAG-3'
Protein context (NP_001229825.1, residues 902-922): VSCWVEFSHE[Arg912Trp]LEEYKWNYLD

ClinVar aggregate classification (germline): Uncertain significance. Review status: criteria provided, multiple submitters, no conflicts (2 of 4 stars). 2 submissions from 2 submitters: Uncertain significance (2). Last evaluated 2024-08-07.

Conditions:
Familial focal epilepsy with variable foci (FPEVF). Identifiers: Orphanet 98820, MedGen C1858477, MONDO:0020310.
Epilepsy, familial focal, with variable foci 1 (FFEVF1). Also called: DEPDC5-Related Epilepsy. Identifiers: MedGen C4551983, MONDO:0024556, OMIM 604364.

Allele frequency attached by ClinVar (database versions not stated): gnomAD exomes below 0.00001; ExAC 0.00001; gnomAD 0.00001; TOPMed 0.00001; 1000 Genomes Project 30x 0.00016; 1000 Genomes Project 0.00020.

Submissions (2):

Labcorp Genetics (formerly Invitae), Labcorp
Classification: Uncertain significance for Familial focal epilepsy with variable foci. Last evaluated: 2024-08-07. Review status: criteria provided, single submitter. Criteria: Invitae Variant Classification Sherloc (09022015). Collection method: clinical testing. Allele origin: germline.
Comment: This sequence change replaces arginine, which is basic and polar, with tryptophan, which is neutral and slightly polar, at codon 912 of the DEPDC5 protein (p.Arg912Trp). This variant is present in population databases (rs528863179, gnomAD 0.006%). This variant has not been reported in the literature in individuals affected with DEPDC5-related conditions. ClinVar contains an entry for this variant (Variation ID: 1027726). Experimental studies and prediction algorithms are not available or were not evaluated, and the functional significance of this variant is currently unknown. In summary, the available evidence is currently insufficient to determine the role of this variant in disease. Therefore, it has been classified as a Variant of Uncertain Significance.

Baylor Genetics
Classification: Uncertain significance for Epilepsy, familial focal, with variable foci 1. Last evaluated: 2019-08-17. Review status: criteria provided, single submitter. Criteria: ACMG Guidelines, 2015. Collection method: clinical testing. Allele origin: unknown. Affected: yes.
Comment: This variant was determined to be of uncertain significance according to ACMG Guidelines, 2015 [PMID:25741868].